The following is an entry in ClinVar:

NM_004655.4(AXIN2):c.1910C>G (p.Ala637Gly)

Gene: AXIN2 (axin 2; minus strand). Cytogenetic location: 17q24.1.
Variant type: single nucleotide variant.
Coding change: c.1910C>G on transcript NM_004655.4 (MANE Select); coding-DNA position 1910, C replaced by G.
Protein change: p.Ala637Gly; replaces alanine 637 with glycine.
Molecular consequence: missense variant.
Genome position (GRCh38, 1-based): chr17:65,536,551, G>C on the plus strand (C>G on the coding strand, the complement: AXIN2 is on the minus strand). VCF-style: chr17-65536551-G-C. GRCh37 (hg19) VCF-style: chr17-63532669-G-C.
Other names: c.1715C>G, p.Ala572Gly (NM_001363813.1); short protein forms A572G, A637G.
Identifiers: ClinVar variation 4726170 (VCV004726170.1).
Genomic context (GRCh38, chr17:65,536,551, plus strand): 5'-GCTCGTTCGCCTGGAGACGAGCGGGCAGACTCCAAGGGGTAGGCCTTTTTTGTGCTTTGG[G>C]CACTAAACAAGGAATGAGCAGAGAGAAAACAGAAGGAAAGAAACTGGGTTAGAAGAACTG-3'
Protein context (NP_004646.3, residues 627-647): ERQSKPKPHS[Ala637Gly]QSTKKAYPLE

ClinVar aggregate classification (germline): Uncertain significance (1 of 4 stars; one submission).

Conditions:
Oligodontia-cancer predisposition syndrome. Also called: TOOTH AGENESIS-COLORECTAL CANCER SYNDROME. Identifiers: Orphanet 300576, MedGen C1837750, MONDO:0012075, OMIM 608615. Disease mechanism: loss of function.

Submission:

Labcorp Genetics (formerly Invitae), Labcorp
Classification: Uncertain significance for Oligodontia-cancer predisposition syndrome. Last evaluated: 2025-08-29. Review status: criteria provided, single submitter. Criteria: Invitae Variant Classification Sherloc (09022015). Collection method: clinical testing. Allele origin: germline.
Comment: This sequence change replaces alanine, which is neutral and non-polar, with glycine, which is neutral and non-polar, at codon 637 of the AXIN2 protein (p.Ala637Gly). This variant is not present in population databases (gnomAD no frequency). This variant has not been reported in the literature in individuals affected with AXIN2-related conditions. An algorithm developed to predict the effect of missense changes on protein structure and function (PolyPhen-2) suggests that this variant is likely to be tolerated. In summary, the available evidence is currently insufficient to determine the role of this variant in disease. Therefore, it has been classified as a Variant of Uncertain Significance.